The following is an entry in ClinVar:

ClinVar aggregate classification (germline): Uncertain significance (1 of 4 stars; one submission).

Conditions:
Neuropathy, hereditary sensory and autonomic, type 2A (HSAN2A). Also called: MORVAN DISEASE; NEUROPATHY, CONGENITAL SENSORY; NEUROPATHY, HEREDITARY SENSORY RADICULAR, AUTOSOMAL RECESSIVE; NEUROPATHY, HEREDITARY SENSORY, TYPE IIA; NEUROPATHY, PROGRESSIVE SENSORY, OF CHILDREN; WNK1-Related HSAN2 (HSAN2A). Identifiers: Orphanet 970, MedGen C2752089, MONDO:0024309, OMIM 201300.
Generalized epilepsy with febrile seizures plus, type 7 (GEFSP7). Also called: GEFS+, TYPE 7. Identifiers: Orphanet 36387, MedGen C2751778, MONDO:0013470, OMIM 613863.

Allele frequency attached by ClinVar (database versions not stated): gnomAD exomes 0.00001; TOPMed 0.00001.
gnomAD v4.1: 13 of 1,613,946 alleles (0.00081%); highest among the groups gnomAD compares: Non-Finnish European, 0.001%; no homozygotes.

Submission:

Labcorp Genetics (formerly Invitae), Labcorp
Classification: Uncertain significance for Neuropathy, hereditary sensory and autonomic, type 2A; Generalized epilepsy with febrile seizures plus, type 7. Last evaluated: 2020-01-04. Review status: criteria provided, single submitter. Criteria: Invitae Variant Classification Sherloc (09022015). Collection method: clinical testing. Allele origin: germline.
Comment: This variant has not been reported in the literature in individuals with SCN9A-related disease. This sequence change replaces arginine with cysteine at codon 1837 of the SCN9A protein (p.Arg1837Cys). The arginine residue is highly conserved and there is a large physicochemical difference between arginine and cysteine. This variant is not present in population databases (ExAC no frequency). Algorithms developed to predict the effect of missense changes on protein structure and function are either unavailable or do not agree on the potential impact of this missense change (SIFT: "Deleterious"; PolyPhen-2: "Probably Damaging"; Align-GVGD: "Class C15"). Algorithms developed to predict the effect of sequence changes on RNA splicing suggest that this variant may create or strengthen a splice site, but this prediction has not been confirmed by published transcriptional studies. In summary, the available evidence is currently insufficient to determine the role of this variant in disease. Therefore, it has been classified as a Variant of Uncertain Significance.

NM_001365536.1(SCN9A):c.5542C>T (p.Arg1848Cys)

Genes: SCN9A (sodium voltage-gated channel alpha subunit 9; minus strand), SCN1A-AS1 (SCN1A and SCN9A antisense RNA 1; plus strand). Cytogenetic location: 2q24.3.
Variant type: single nucleotide variant.
Coding change: c.5542C>T on transcript NM_001365536.1 (MANE Select); coding-DNA position 5542, C replaced by T.
Protein change: p.Arg1848Cys; replaces arginine 1848 with cysteine.
Molecular consequence: missense variant.
Genome position (GRCh38, 1-based): chr2:166,199,097, G>A on the plus strand (C>T on the coding strand, the complement: SCN9A is on the minus strand). VCF-style: chr2-166199097-G-A. GRCh37 (hg19) VCF-style: chr2-167055607-G-A.
Other names: c.5509C>T, p.Arg1837Cys (NM_002977.4); short protein forms R1848C, R1837C.
Identifiers: ClinVar variation 651348 (VCV000651348.9), dbSNP rs1381335907, ClinGen allele CA349052432.